The following is an entry in ClinVar:

ClinVar aggregate classification (germline): Likely benign (0 of 4 stars; one submission).

Conditions:
PLXNA4-related disorder. Also called: PLXNA4-related condition.

Allele frequency attached by ClinVar (database versions not stated): gnomAD 0.00003; ExAC 0.00004; gnomAD exomes 0.00004.
gnomAD v4.1: 71 of 1,614,050 alleles (0.0044%); highest among the groups gnomAD compares: East Asian, 0.0089%; no homozygotes.

Submission:

PreventionGenetics, part of Exact Sciences
Classification: Likely benign for PLXNA4-related condition. Last evaluated: 2022-09-08. Review status: no assertion criteria provided. Collection method: clinical testing. Allele origin: germline.
Comment: This variant is classified as likely benign based on ACMG/AMP sequence variant interpretation guidelines (Richards et al. 2015 PMID: 25741868, with internal and published modifications).

NM_020911.2(PLXNA4):c.3297C>T (p.Pro1099=)

Gene: PLXNA4 (plexin A4; minus strand). Cytogenetic location: 7q32.3.
Variant type: single nucleotide variant.
Coding change: c.3297C>T on transcript NM_020911.2 (MANE Select); coding-DNA position 3297, C replaced by T.
Protein change: p.Pro1099=; no amino-acid change (proline 1099 retained).
Molecular consequence: synonymous variant.
Genome position (GRCh38, 1-based): chr7:132,181,576, G>A on the plus strand (C>T on the coding strand, the complement: PLXNA4 is on the minus strand). VCF-style: chr7-132181576-G-A. GRCh37 (hg19) VCF-style: chr7-131866335-G-A.
Other names: c.3297C>T, p.Pro1099= (NM_001393897.1).
Identifiers: ClinVar variation 3028985 (VCV003028985.2), dbSNP rs778556054, ClinGen allele CA4489526.